The following is an entry in ClinVar:

ClinVar aggregate classification (germline): Uncertain significance (0 of 4 stars; one submission).

Conditions:
ABCB4-related disorder. Also called: ABCB4-related disorders; ABCB4-related condition.

Submission:

PreventionGenetics, part of Exact Sciences
Classification: Uncertain significance for ABCB4-related condition. Last evaluated: 2024-05-09. Review status: no assertion criteria provided. Collection method: clinical testing. Allele origin: germline.
Comment: The ABCB4 c.1789G>A variant is predicted to result in the amino acid substitution p.Ala597Thr. To our knowledge, this variant has not been reported in the literature. This variant is reported in 0.00088% of alleles in individuals of European (Non-Finnish) descent in gnomAD. At this time, the clinical significance of this variant is uncertain due to the absence of conclusive functional and genetic evidence.

NM_000443.4(ABCB4):c.1789G>A (p.Ala597Thr)

Gene: ABCB4 (ATP binding cassette subfamily B member 4; minus strand). Cytogenetic location: 7q21.12.
Variant type: single nucleotide variant.
Coding change: c.1789G>A on transcript NM_000443.4 (MANE Select); coding-DNA position 1789, G replaced by A.
Protein change: p.Ala597Thr; replaces alanine 597 with threonine.
Molecular consequence: missense variant.
Genome position (GRCh38, 1-based): chr7:87,431,508, C>T on the plus strand (G>A on the coding strand, the complement: ABCB4 is on the minus strand). VCF-style: chr7-87431508-C-T. GRCh37 (hg19) VCF-style: chr7-87060824-C-T.
Other names: c.1789G>A, p.Ala597Thr (NM_018849.3, NM_018850.3); short protein forms A597T.
Identifiers: ClinVar variation 3350090 (VCV003350090.1).
Genomic context (GRCh38, chr7:87,431,508, plus strand): 5'-GTTCGCTGTGGCTTCCTTGCTCCACAATTACTCCATCCTCAAACCCAGCGATGACATCTG[C>T]ATTTCGGACCGTAGACAGTCGGTGTGCTATCACAATGGTGGTCCGGCCTTCTCTGGCCTA-3'
Protein context (NP_000434.1, residues 587-607): IAHRLSTVRN[Ala597Thr]DVIAGFEDGV